The following is an entry in ClinVar:

NM_001844.5(COL2A1):c.3284G>A (p.Gly1095Asp)

Gene: COL2A1 (collagen type II alpha 1 chain; minus strand). Cytogenetic location: 12q13.11.
Variant type: single nucleotide variant.
Coding change: c.3284G>A on transcript NM_001844.5 (MANE Select); coding-DNA position 3284, G replaced by A.
Protein change: p.Gly1095Asp; replaces glycine 1095 with aspartic acid.
Molecular consequence: missense variant.
Genome position (GRCh38, 1-based): chr12:47,977,145, C>T on the plus strand (G>A on the coding strand, the complement: COL2A1 is on the minus strand). VCF-style: chr12-47977145-C-T. GRCh37 (hg19) VCF-style: chr12-48370928-C-T.
Other names: c.3077G>A, p.Gly1026Asp (NM_033150.3); short protein forms G1095D, G1026D.
Identifiers: ClinVar variation 4990910 (VCV004990910.1).

ClinVar aggregate classification (germline): Likely pathogenic (1 of 4 stars; one submission).

Conditions:
COL2A1-related disorder. Also called: COL2A1-related condition; COL2A1-related disorders.

Submission:

PreventionGenetics, part of Exact Sciences
Classification: Likely pathogenic for COL2A1-related condition. Last evaluated: 2025-10-02. Review status: criteria provided, single submitter. Criteria: ACMG Guidelines, 2015. Collection method: clinical testing. Allele origin: germline.
Comment: The COL2A1 c.3284G>A variant is predicted to result in the amino acid substitution p.Gly1095Asp. To our knowledge, this variant has not been reported in the literature or in a large population database (gnomAD), indicating this variant is rare. This variant affects a Gly residue of the conserved triple helical region from amino acids 201-1214. An alternate missense change at the same amino acid position (p.Gly1095Ser, referred to as p.Gly895Ser in legacy nomenclature) has been reported an individual affected with spondyloepiphyseal dysplasia (Winterpacht et al. 1995. PubMed ID: 7705841). Glycine substitutions in the triple helical region of COL2A1 are an established mechanism of disease (Barat-Houari et al. 2016. PubMed ID: 26626311). This variant is interpreted as likely pathogenic.